The following is an entry in ClinVar:

NM_001853.4(COL9A3):c.19T>C (p.Cys7Arg)

Gene: COL9A3 (collagen type IX alpha 3 chain; plus strand). Cytogenetic location: 20q13.33.
Variant type: single nucleotide variant.
Coding change: c.19T>C on transcript NM_001853.4 (MANE Select); coding-DNA position 19, T replaced by C.
Protein change: p.Cys7Arg; replaces cysteine 7 with arginine.
Molecular consequence: missense variant.
Genome position (GRCh38, 1-based): chr20:62,817,083, T>C. VCF-style: chr20-62817083-T-C. GRCh37 (hg19) VCF-style: chr20-61448435-T-C.
Other names: short protein forms C7R.
Identifiers: ClinVar variation 4803127 (VCV004803127.1).

ClinVar aggregate classification (germline): Uncertain significance (1 of 4 stars; one submission).

gnomAD v4.1: 4 of 1,390,158 alleles (0.00029%); highest among the groups gnomAD compares: Non-Finnish European, 0.00028%; no homozygotes.

Submission:

Labcorp Genetics (formerly Invitae), Labcorp
Classification: Uncertain significance. Last evaluated: 2025-03-13. Review status: criteria provided, single submitter. Criteria: Invitae Variant Classification Sherloc (09022015). Collection method: clinical testing. Allele origin: germline.
Comment: This sequence change replaces cysteine, which is neutral and slightly polar, with arginine, which is basic and polar, at codon 7 of the COL9A3 protein (p.Cys7Arg). This variant is not present in population databases (gnomAD no frequency). This variant has not been reported in the literature in individuals affected with COL9A3-related conditions. Invitae Evidence Modeling of protein sequence and biophysical properties (such as structural, functional, and spatial information, amino acid conservation, physicochemical variation, residue mobility, and thermodynamic stability) indicates that this missense variant is not expected to disrupt COL9A3 protein function with a negative predictive value of 95%. In summary, the available evidence is currently insufficient to determine the role of this variant in disease. Therefore, it has been classified as a Variant of Uncertain Significance.